The following is an entry in ClinVar:

ClinVar aggregate classification (germline): Uncertain significance (1 of 4 stars; one submission).

Allele frequency attached by ClinVar (database versions not stated): gnomAD exomes below 0.00001.
gnomAD v4.1: 1 of 1,614,178 alleles (0.000062%); highest among the groups gnomAD compares: East Asian, 0.0022%; no homozygotes.

Submission:

GeneDx
Classification: Uncertain significance. Last evaluated: 2019-11-10. Review status: criteria provided, single submitter. Criteria: GeneDx Variant Classification Process June 2021. Collection method: clinical testing. Allele origin: germline. Affected: yes.
Comment: Has not been previously published as pathogenic or benign to our knowledge; Not observed in large population cohorts (Lek et al., 2016); In silico analysis, which includes protein predictors and evolutionary conservation, supports a deleterious effect

NM_000528.4(MAN2B1):c.1141G>A (p.Ala381Thr)

Gene: MAN2B1 (mannosidase alpha class 2B member 1; minus strand). Cytogenetic location: 19p13.13.
Variant type: single nucleotide variant.
Coding change: c.1141G>A on transcript NM_000528.4 (MANE Select); coding-DNA position 1141, G replaced by A.
Protein change: p.Ala381Thr; replaces alanine 381 with threonine.
Molecular consequence: missense variant.
Genome position (GRCh38, 1-based): chr19:12,658,313, C>T on the plus strand (G>A on the coding strand, the complement: MAN2B1 is on the minus strand). VCF-style: chr19-12658313-C-T. GRCh37 (hg19) VCF-style: chr19-12769127-C-T.
Other names: c.1138G>A, p.Ala380Thr (NM_001173498.2); short protein forms A380T, A381T.
Identifiers: ClinVar variation 1309888 (VCV001309888.2), dbSNP rs2024023250, ClinGen allele CA404248279.